The following is an entry in ClinVar:

ClinVar aggregate classification (germline): Pathogenic/Likely pathogenic. Review status: criteria provided, multiple submitters, no conflicts (2 of 4 stars). 6 submissions from 6 submitters: Pathogenic (2); Likely pathogenic (3). 1 of the submissions does not count toward it. Last evaluated 2025-07-07.

Conditions:
Bardet-Biedl syndrome 13 (BBS13). Identifiers: Orphanet 110, MedGen C2673873, MONDO:0014441, OMIM 615990.
Meckel syndrome, type 1 (MKS1). Also called: MECKEL-GRUBER SYNDROME, TYPE 1. Identifiers: Orphanet 564, MedGen C3714506, MONDO:0009571, OMIM 249000.
Joubert syndrome 28 (JBTS28). Identifiers: MedGen C4310705, MONDO:0014928, OMIM 617121.
Meckel-Gruber syndrome. Also called: Dysencephalia splachnocystica; DYSENCEPHALIA SPLANCHNOCYSTICA; GRUBER SYNDROME. Identifiers: Orphanet 564, MedGen C0265215, MONDO:0018921.
Joubert syndrome. Also called: Familial aplasia of the vermis; CEREBELLOPARENCHYMAL DISORDER IV; JOUBERT-BOLTSHAUSER SYNDROME. Identifiers: Orphanet 475, MedGen C5979921, MONDO:0018772.

gnomAD v4.1: 1 of 1,614,162 alleles (0.000062%); no homozygotes.

Submissions (6):

Natera, Inc.
Classification: Likely pathogenic for Meckel syndrome type 1. Last evaluated: 2025-07-07. Review status: criteria provided, single submitter. Criteria: Natera Variant Classification Schema (03/2026). Collection method: clinical testing. Allele origin: germline.
Comment: The c.829G>T variant in MKS1 is a nonsense variant predicted to introduce a stop codon at amino acid 277. This variant is expected to result in nonsense mediated decay, truncation, or a dysfunctional protein product. This variant is rare in the general population with a frequency below the threshold expected for the associated phenotype(s). Given the available evidence, this variant is classified as Likely Pathogenic.

Labcorp Genetics (formerly Invitae), Labcorp
Classification: Pathogenic for Joubert syndrome; Meckel-Gruber syndrome. Last evaluated: 2023-11-20. Review status: criteria provided, single submitter. Criteria: Invitae Variant Classification Sherloc (09022015). Collection method: clinical testing. Allele origin: germline.
Comment: This sequence change creates a premature translational stop signal (p.Glu277*) in the MKS1 gene. It is expected to result in an absent or disrupted protein product. Loss-of-function variants in MKS1 are known to be pathogenic (PMID: 19466712, 24886560, 26490104). This variant is not present in population databases (gnomAD no frequency). This variant has not been reported in the literature in individuals affected with MKS1-related conditions. ClinVar contains an entry for this variant (Variation ID: 554581). For these reasons, this variant has been classified as Pathogenic.

GeneDx
Classification: Pathogenic. Last evaluated: 2023-11-03. Review status: criteria provided, single submitter. Criteria: GeneDx Variant Classification Process June 2021. Collection method: clinical testing. Allele origin: germline. Affected: yes.
Comment: Nonsense variant predicted to result in protein truncation or nonsense mediated decay in a gene for which loss of function is a known mechanism of disease; Not observed at significant frequency in large population cohorts (gnomAD); Has not been previously published as pathogenic or benign to our knowledge; This variant is associated with the following publications: (PMID: 25525159, 21228398)

Baylor Genetics
Classification: Likely pathogenic for Bardet-Biedl syndrome 13. Last evaluated: 2023-10-06. Review status: criteria provided, single submitter. Criteria: ACMG Guidelines, 2015. Collection method: clinical testing. Allele origin: unknown.

Women's Health and Genetics/Laboratory Corporation of America, LabCorp
Classification: Likely pathogenic for Meckel syndrome, type 1. Last evaluated: 2022-11-17. Review status: criteria provided, single submitter. Criteria: LabCorp Variant Classification Summary - May 2015. Collection method: clinical testing. Allele origin: germline.
Comment: Variant summary: MKS1 c.829G>T (p.Glu277X) results in a premature termination codon, predicted to cause a truncation of the encoded protein or absence of the protein due to nonsense mediated decay, which are commonly known mechanisms for disease. Truncations downstream of this position are classified as pathogenic in ClinVar. The variant was absent in 249568 control chromosomes. To our knowledge, no occurrence of c.829G>T in individuals affected with Meckel Syndrome Type 1 and no experimental evidence demonstrating its impact on protein function have been reported. Two clinical diagnostic laboratories have submitted clinical-significance assessments for this variant to ClinVar after 2014 without evidence for independent evaluation. Both classified the variant as pathogenic/likely pathogenic. Based on the evidence outlined above, the variant was classified as likely pathogenic.

Counsyl
Classification: Likely pathogenic for Meckel syndrome, type 1; Bardet-Biedl syndrome 13; Joubert syndrome 28. Last evaluated: 2017-10-26. Review status: no assertion criteria provided. Collection method: clinical testing. Allele origin: unknown. Not counted in ClinVar's aggregate classification.

Literature cited by the submitters: PubMed 19466712 (cited by Labcorp Genetics (formerly Invitae), Labcorp); PubMed 24886560 (cited by Labcorp Genetics (formerly Invitae), Labcorp); PubMed 26490104 (cited by Labcorp Genetics (formerly Invitae), Labcorp); PubMed 21228398 (cited by Counsyl).

NM_017777.4(MKS1):c.829G>T (p.Glu277Ter)

Gene: MKS1 (MKS transition zone complex subunit 1; minus strand). Cytogenetic location: 17q22.
Variant type: single nucleotide variant.
Coding change: c.829G>T on transcript NM_017777.4 (MANE Select); coding-DNA position 829, G replaced by T.
Protein change: p.Glu277Ter; replaces glutamic acid 277 with a stop codon.
Molecular consequence: nonsense.
Genome position (GRCh38, 1-based): chr17:58,213,011, C>A on the plus strand (G>T on the coding strand, the complement: MKS1 is on the minus strand). VCF-style: chr17-58213011-C-A. GRCh37 (hg19) VCF-style: chr17-56290372-C-A.
Other names: c.220G>T, p.Glu74Ter (NM_001321268.2); c.829G>T, p.Glu277Ter (NM_001321269.2, NM_001330397.2); short protein forms E277*, E74*.
Identifiers: ClinVar variation 554581 (VCV000554581.13), dbSNP rs1555599412, ClinGen allele CA400326384.
Genomic context (GRCh38, chr17:58,213,011, plus strand): 5'-CCTTGGATACTTGGAATGAACTTGCGCTTACATCCTTGAACACTCGCCGTTCCCGCTCCT[C>A]CTCCTCCGGCTGTGCGTGGGGGGAAACATTGTCGATCGTATATTTCCACAGCTCCTGCTT-3'